The following is an entry in ClinVar:

ClinVar aggregate classification (germline): Uncertain significance (1 of 4 stars; one submission).

Conditions:
Zellweger spectrum disorders (ZS). Also called: Zellweger syndrome; Zellweger Spectrum Disorder (ZSD); Zellweger Spectrum Disorder; Zellweger Spectrum. Identifiers: Orphanet 912, MedGen C0043459, MONDO:0019609.

gnomAD v4.1: 1 of 1,609,540 alleles (0.000062%); highest among the groups gnomAD compares: Non-Finnish European, 0.000085%; no homozygotes.

Submission:

Labcorp Genetics (formerly Invitae), Labcorp
Classification: Uncertain significance for Zellweger spectrum disorders. Last evaluated: 2021-04-02. Review status: criteria provided, single submitter. Criteria: Invitae Variant Classification Sherloc (09022015). Collection method: clinical testing. Allele origin: germline.
Comment: In summary, the available evidence is currently insufficient to determine the role of this variant in disease. Therefore, it has been classified as a Variant of Uncertain Significance. Advanced modeling of protein sequence and biophysical properties (such as structural, functional, and spatial information, amino acid conservation, physicochemical variation, residue mobility, and thermodynamic stability) performed at Invitae indicates that this missense variant is expected to disrupt PEX1 protein function. This variant has not been reported in the literature in individuals with PEX1-related conditions. This variant is not present in population databases (ExAC no frequency). This sequence change replaces proline with serine at codon 534 of the PEX1 protein (p.Pro534Ser). The proline residue is moderately conserved and there is a moderate physicochemical difference between proline and serine.

NM_000466.3(PEX1):c.1600C>T (p.Pro534Ser)

Gene: PEX1 (peroxisomal biogenesis factor 1; minus strand). Cytogenetic location: 7q21.2.
Variant type: single nucleotide variant.
Coding change: c.1600C>T on transcript NM_000466.3 (MANE Select); coding-DNA position 1600, C replaced by T.
Protein change: p.Pro534Ser; replaces proline 534 with serine.
Molecular consequence: missense variant.
Genome position (GRCh38, 1-based): chr7:92,509,399, G>A on the plus strand (C>T on the coding strand, the complement: PEX1 is on the minus strand). VCF-style: chr7-92509399-G-A. GRCh37 (hg19) VCF-style: chr7-92138713-G-A.
Other names: c.1600C>T, p.Pro534Ser (NM_001282677.2); c.976C>T, p.Pro326Ser (NM_001282678.2); short protein forms P326S, P534S.
Identifiers: ClinVar variation 1401762 (VCV001401762.8), dbSNP rs1419015282, ClinGen allele CA368188441.